The following is an entry in ClinVar:

ClinVar aggregate classification (germline): Uncertain significance (1 of 4 stars; one submission).

Conditions:
Cardiovascular phenotype. Identifiers: MedGen CN230736.

Submission:

Ambry Genetics
Classification: Uncertain significance for Cardiovascular phenotype. Last evaluated: 2025-06-10. Review status: criteria provided, single submitter. Criteria: Ambry Variant Classification Scheme 2023. Collection method: clinical testing. Allele origin: germline.
Comment: The p.T1484P variant (also known as c.4450A>C), located in coding exon 38 of the ANK2 gene, results from an A to C substitution at nucleotide position 4450. The threonine at codon 1484 is replaced by proline, an amino acid with highly similar properties. This amino acid position is conserved. In addition, the in silico prediction for this alteration is inconclusive. Based on the available evidence, the clinical significance of this variant remains unclear.

NM_001148.6(ANK2):c.4450A>C (p.Thr1484Pro)

Gene: ANK2 (ankyrin 2; plus strand). Cytogenetic location: 4q26.
Variant type: single nucleotide variant.
Coding change: c.4450A>C on transcript NM_001148.6 (MANE Select); coding-DNA position 4450, A replaced by C.
Protein change: p.Thr1484Pro; replaces threonine 1484 with proline.
Molecular consequence: missense variant. On other transcripts: intron variant (68).
Genome position (GRCh38, 1-based): chr4:113,353,068, A>C. VCF-style: chr4-113353068-A-C. GRCh37 (hg19) VCF-style: chr4-114274224-A-C.
Other names: c.4216A>C, p.Thr1406Pro (NM_001386142.1); c.850A>C, p.Thr284Pro (NM_001386166.1); c.4591A>C, p.Thr1531Pro (NM_001386174.1); c.4567A>C, p.Thr1523Pro (NM_001386175.1); c.4411+2819A>C (NM_001386186.2, NM_001386148.2); c.4213+2819A>C (NM_001354269.3); c.4291+2819A>C (NM_001386187.2); c.4252+2819A>C (NM_001386147.1); and 35 more; short protein forms T1531P, T1406P, T1523P, T1484P, T284P.
Identifiers: ClinVar variation 4051423 (VCV004051423.1).